The following is an entry in ClinVar:

ClinVar aggregate classification (germline): Pathogenic/Likely pathogenic. Review status: criteria provided, multiple submitters, no conflicts (2 of 4 stars). 5 submissions from 5 submitters: Pathogenic (1); Likely pathogenic (4). Last evaluated 2026-07-17.

Conditions:
Charcot-Marie-Tooth disease axonal type 2P. Also called: CMT 2G; CHARCOT-MARIE-TOOTH DISEASE, AXONAL, TYPE 2G; CHARCOT-MARIE-TOOTH NEUROPATHY, TYPE 2P; Charcot-Marie-Tooth Neuropathy Type 2G. Identifiers: Orphanet 300319, Orphanet 99941, MedGen C3280797, MONDO:0013753, OMIM 614436.
Charcot-Marie-Tooth disease. Also called: Charcot-Marie-Tooth Hereditary Neuropathy; Charcot-Marie-Tooth Neuropathy. Identifiers: Orphanet 166, MedGen C0007959, MONDO:0015626.
Inborn genetic diseases. Identifiers: MedGen C0950123, MeSH D030342.

Allele frequency attached by ClinVar (database versions not stated): TOPMed below 0.00001; gnomAD exomes below 0.00001; gnomAD 0.00001.

Submissions (5):

GeneDx
Classification: Likely pathogenic. Last evaluated: 2026-07-17. Review status: criteria provided, single submitter. Criteria: GeneDx Variant Classification Process June 2021. Collection method: clinical testing. Allele origin: germline.
Comment: Frameshift variant predicted to result in abnormal protein length as the last 50 amino acid(s) are replaced with 82 different amino acid(s), and other similar variants have been reported in HGMD; Not observed at significant frequency in large population cohorts (gnomAD); This variant is associated with the following publications: (PMID: 22781092, 32376792, 29417091)

Labcorp Genetics (formerly Invitae), Labcorp
Classification: Pathogenic for Charcot-Marie-Tooth disease axonal type 2P. Last evaluated: 2025-02-27. Review status: criteria provided, single submitter. Criteria: Invitae Variant Classification Sherloc (09022015). Collection method: clinical testing. Allele origin: germline.
Comment: This sequence change creates a premature translational stop signal (p.Glu674Argfs*83) in the LRSAM1 gene. While this is not anticipated to result in nonsense mediated decay, it is expected to disrupt the last 50 amino acid(s) of the LRSAM1 protein. This variant is present in population databases (no rsID available, gnomAD 0.0009%). This premature translational stop signal has been observed in individual(s) with clinical features of autosomal recessive neuropathy (PMID: 29417091; internal data). In at least one individual the data is consistent with being in trans (on the opposite chromosome) from a pathogenic variant. It has also been observed to segregate with disease in related individuals. ClinVar contains an entry for this variant (Variation ID: 651567). For these reasons, this variant has been classified as Pathogenic.

Mayo Clinic Laboratories, Mayo Clinic
Classification: Likely pathogenic. Last evaluated: 2022-02-10. Review status: criteria provided, single submitter. Criteria: ACMG Guidelines, 2015. Collection method: clinical testing. Allele origin: germline. Observed: 1 variant allele.
Comment: PM1, PM2, PVS1_strong

Ambry Genetics
Classification: Likely pathogenic for Inborn genetic diseases. Last evaluated: 2020-08-11. Review status: criteria provided, single submitter. Criteria: Ambry Variant Classification Scheme 2023. Collection method: clinical testing. Allele origin: germline.
Comment: The c.2019dupA variant, located in coding exon 23 of the LRSAM1 gene, results from a duplication of A at nucleotide position 2019, causing a translational frameshift with a predicted alternate stop codon (p.E674Rfs*83). This alteration occurs at the 3' terminus of the LRSAM1 gene, is not expected to trigger nonsense-mediated mRNAdecay and results in the elongation of the protein by 32 amino acids. This frameshift impacts the last 50amino acids of the native protein. This variant was detected in a homozygous state in an individual diagnosed with Charcot-Marie-Tooth disease type 2 (Haskell GT et al. Neurol Genet, 2018 Feb;4:e212), however similar frameshift variants in this exon have been reported to segregate in affected individuals in an autosomal dominant manner (Weterman MA et al. Hum. Mol. Genet., 2012 Jan;21:358-70; Hakonen JE et al. Hum. Mol. Genet., 2017 06;26:2034-2041; Lupo V et al. J Mol Diagn, 2016 Mar;18:225-34), suggesting that this region is critical to protein function. Based on the majority of available evidence to date, this variant is likely to be pathogenic.

Molecular Genetics Laboratory, London Health Sciences Centre
Classification: Likely pathogenic for Charcot-Marie-Tooth disease. Review status: criteria provided, single submitter. Criteria: ACMG Guidelines, 2015. Collection method: clinical testing. Allele origin: germline. Affected: yes.

Literature cited by the submitters: PubMed 29417091 (cited by Labcorp Genetics (formerly Invitae), Labcorp and Ambry Genetics); PubMed 22012984 (cited by Ambry Genetics); PubMed 26752306 (cited by Ambry Genetics); PubMed 28335037 (cited by Ambry Genetics).

NM_001005373.4(LRSAM1):c.2019dup (p.Glu674fs)

Gene: LRSAM1 (leucine rich repeat and sterile alpha motif containing 1; plus strand). Cytogenetic location: 9q34.11.
Variant type: Duplication.
Coding change: c.2019dup on transcript NM_001005373.4 (MANE Select); coding-DNA position 2019, one base duplicated (A; older notation c.2019dupA).
Protein change: p.Glu674fs; shifts the reading frame from glutamic acid 674.
Molecular consequence: frameshift variant. On other transcripts: non-coding transcript variant (2).
Genome position (GRCh38, 1-based): chr9:127,501,116, A duplicated. VCF-style (leftmost placement, unchanged base first): chr9-127501115-C-CA. GRCh37 (hg19) VCF-style: chr9-130263394-C-CA.
Other names: p.Glu674Argfs*83; c.2019dupA (NM_138361.5); c.2019dup, p.Glu674fs (NM_001005374.4, NM_001384142.1, NM_138361.5); c.1938dup, p.Glu647fs (NM_001190723.3); c.1920dup, p.Glu641fs (NM_001384143.1); c.1230dup, p.Glu411fs (NM_001384144.1); short protein forms E647fs, E674fs, E411fs, E641fs.
Identifiers: ClinVar variation 651567 (VCV000651567.14), dbSNP rs1315010600, ClinGen allele CA16609656.